The following is an entry in ClinVar:

NC_000002.11:g.(?_71838365)_(71840553_?)del

Variant type: Deletion.
Identifiers: ClinVar variation 4056136 (VCV004056136.1).

ClinVar aggregate classification (germline): Likely pathogenic (3 of 4 stars; one submission).

Conditions:
Autosomal recessive limb-girdle muscular dystrophy. Identifiers: Orphanet 102015, MedGen C2931907, MONDO:0015152.

Submission:

ClinGen Limb Girdle Muscular Dystrophy Variant Curation Expert Panel, ClinGen
Classification: Likely pathogenic for Autosomal recessive limb-girdle muscular dystrophy. Last evaluated: 2025-04-23. Review status: reviewed by expert panel. Criteria: ClinGen LGMD VCEP ACMG Specifications DYSF V1.0.0. Collection method: curation. Allele origin: germline. Inheritance: Autosomal recessive inheritance.
Comment: The NC_000002.11: g.(?_71838365)_(71840553_?)del (GRCh37) variant is a deletion with unknown breakends that encompasses exons 37 to 40 of DYSF, NM_003494.4: c.3904_4410del (NM_001130987.2: c.3958_4464del). This variant is expected to remove <10% of the protein without disrupting the reading frame (PVS1_Moderate). RNAseq in a patient homozygous for deletion of exons 37-40 (breakends unknown) showed two abnormal splicing events: skipping from DYSF exon 36 to exon 40a and skipping from DYSF exon 36 to exon 41. Both events resulted in an inframe deletion of DYSF exons 37-40, p.Ser1302_Gln1470del (PMID: 36983702). Homozygosity for deletion of DYSF exons 37-40 has been identified in at least one patient with features consistent with LGMD and without reported familial consanguinity (0.5 pts, PMID: 36983702, 23406536; PM3_Supporting). This patient had a clinical diagnosis of LGMD and absent dysferlin protein expression in skeletal muscle, which is highly specific for DYSF-associated LGMD (PMID: 23406536; PP4_Strong). Similarly sized deletions of DYSF exons 37-40 are not present in gnomAD v4.1.0, gnomAD SVs v4.1.0, gnomAD CNVs v4.1.0 or the Database of Genomic Variants (PMID: 24174537) (PM2_Supporting). In summary, this variant meets the criteria to be classified as Likely Pathogenic for autosomal recessive limb girdle muscular dystrophy based on the ACMG/AMP criteria applied, as specified by the ClinGen LGMD VCEP (LGMD VCEP specifications version 1.0.0; 04/23/2025): PVS1_Moderate, PM3_Supporting, PP4_Strong, PM2_Supporting.